The following is an entry in ClinVar:

ClinVar aggregate classification (germline): Uncertain significance (1 of 4 stars; one submission).

Conditions:
Hereditary sensory and autonomic neuropathy type 7. Also called: HSAN VII; Neuropathy, hereditary sensory and autonomic, type VII. Identifiers: Orphanet 391397, MedGen C3809882, MONDO:0014244, OMIM 615548.
Familial episodic pain syndrome with predominantly lower limb involvement. Also called: Episodic pain syndrome, familial, 3. Identifiers: Orphanet 391384, Orphanet 391392, MedGen C3809899, MONDO:0014247, OMIM 615552.

Allele frequency attached by ClinVar (database versions not stated): ExAC 0.00001.
gnomAD v4.1: 3 of 1,605,986 alleles (0.00019%); highest among the groups gnomAD compares: Non-Finnish European, 0.00025%; no homozygotes.

Submission:

Labcorp Genetics (formerly Invitae), Labcorp
Classification: Uncertain significance for Familial episodic pain syndrome with predominantly lower limb involvement; Hereditary sensory and autonomic neuropathy type 7. Last evaluated: 2024-01-28. Review status: criteria provided, single submitter. Criteria: Invitae Variant Classification Sherloc (09022015). Collection method: clinical testing. Allele origin: germline.
Comment: This sequence change replaces arginine, which is basic and polar, with histidine, which is basic and polar, at codon 71 of the SCN11A protein (p.Arg71His). The frequency data for this variant in the population databases is considered unreliable, as metrics indicate poor data quality at this position in the gnomAD database. This variant has not been reported in the literature in individuals affected with SCN11A-related conditions. ClinVar contains an entry for this variant (Variation ID: 2036541). Advanced modeling of protein sequence and biophysical properties (such as structural, functional, and spatial information, amino acid conservation, physicochemical variation, residue mobility, and thermodynamic stability) performed at Invitae indicates that this missense variant is not expected to disrupt SCN11A protein function with a negative predictive value of 80%. In summary, the available evidence is currently insufficient to determine the role of this variant in disease. Therefore, it has been classified as a Variant of Uncertain Significance.

NM_001349253.2(SCN11A):c.212G>A (p.Arg71His)

Gene: SCN11A (sodium voltage-gated channel alpha subunit 11; minus strand). Cytogenetic location: 3p22.2.
Variant type: single nucleotide variant.
Coding change: c.212G>A on transcript NM_001349253.2 (MANE Select); coding-DNA position 212, G replaced by A.
Protein change: p.Arg71His; replaces arginine 71 with histidine.
Molecular consequence: missense variant.
Genome position (GRCh38, 1-based): chr3:38,950,151, C>T on the plus strand (G>A on the coding strand, the complement: SCN11A is on the minus strand). VCF-style: chr3-38950151-C-T. GRCh37 (hg19) VCF-style: chr3-38991642-C-T.
Other names: c.212G>A, p.Arg71His (NM_014139.3); short protein forms R71H.
Identifiers: ClinVar variation 2036541 (VCV002036541.4), dbSNP rs778803012, ClinGen allele CA2322749.
Genomic context (GRCh38, chr3:38,950,151, plus strand): 5'-AGTACCTTATGATTTCGGTAGAATGGGTCCAAGTCTTCCAGAGGCTTTCCTATGAGCTCA[C>T]GAGGAATGTCGCCATAGAGCTTGGGCAACTTCCTGGAGGCCTTTAGGTCAAGCTGAGGCC-3'
Protein context (NP_001336182.1, residues 61-81): KLPKLYGDIP[Arg71His]ELIGKPLEDL